The following is an entry in ClinVar:

NM_000075.4(CDK4):c.515C>G (p.Thr172Arg)

Gene: CDK4 (cyclin dependent kinase 4; minus strand). Cytogenetic location: 12q14.1.
Variant type: single nucleotide variant.
Coding change: c.515C>G on transcript NM_000075.4 (MANE Select); coding-DNA position 515, C replaced by G.
Protein change: p.Thr172Arg; replaces threonine 172 with arginine.
Molecular consequence: missense variant.
Genome position (GRCh38, 1-based): chr12:57,750,930, G>C on the plus strand (C>G on the coding strand, the complement: CDK4 is on the minus strand). VCF-style: chr12-57750930-G-C. GRCh37 (hg19) VCF-style: chr12-58144713-G-C.
Other names: short protein forms T172R.
Identifiers: ClinVar variation 2007809 (VCV002007809.4), dbSNP rs2140386305, ClinGen allele CA385546107.
Genomic context (GRCh38, chr12:57,750,930, plus strand): 5'-ATCACTCTCCTACTCCCAACCAGAACCCATTTTGGTACCATCTTTCTACTGACCACGGGT[G>C]TAAGTGCCATCTGGTAGCTGTAGATTCTGGCCAGGCCAAAGTCAGCCAGCTTGACTGTTC-3'
Protein context (NP_000066.1, residues 162-182): ARIYSYQMAL[Thr172Arg]PVVVTLWYRA

ClinVar aggregate classification (germline): Uncertain significance (1 of 4 stars; one submission).

Conditions:
Familial melanoma. Also called: Hereditary melanoma; Hereditary cutaneous melanoma. Identifiers: Orphanet 618, MedGen C1512419, MONDO:0018961.

Submission:

Labcorp Genetics (formerly Invitae), Labcorp
Classification: Uncertain significance for Familial melanoma. Last evaluated: 2025-02-03. Review status: criteria provided, single submitter. Criteria: Invitae Variant Classification Sherloc (09022015). Collection method: clinical testing. Allele origin: germline.
Comment: This sequence change replaces threonine, which is neutral and polar, with arginine, which is basic and polar, at codon 172 of the CDK4 protein (p.Thr172Arg). This variant is not present in population databases (gnomAD no frequency). This variant has not been reported in the literature in individuals affected with CDK4-related conditions. ClinVar contains an entry for this variant (Variation ID: 2007809). Invitae Evidence Modeling of protein sequence and biophysical properties (such as structural, functional, and spatial information, amino acid conservation, physicochemical variation, residue mobility, and thermodynamic stability) indicates that this missense variant is expected to disrupt CDK4 protein function with a positive predictive value of 95%. In summary, the available evidence is currently insufficient to determine the role of this variant in disease. Therefore, it has been classified as a Variant of Uncertain Significance.